The following is an entry in ClinVar:

NM_001261826.3(AP3D1):c.2818A>G (p.Arg940Gly)

Gene: AP3D1 (adaptor related protein complex 3 subunit delta 1; minus strand). Cytogenetic location: 19p13.3.
Variant type: single nucleotide variant.
Coding change: c.2818A>G on transcript NM_001261826.3 (MANE Select); coding-DNA position 2818, A replaced by G.
Protein change: p.Arg940Gly; replaces arginine 940 with glycine.
Molecular consequence: missense variant.
Genome position (GRCh38, 1-based): chr19:2,111,798, T>C on the plus strand (A>G on the coding strand, the complement: AP3D1 is on the minus strand). VCF-style: chr19-2111798-T-C. GRCh37 (hg19) VCF-style: chr19-2111797-T-C.
Other names: c.2782A>G, p.Arg928Gly (NM_001374799.1); c.2632A>G, p.Arg878Gly (NM_003938.8); short protein forms R928G, R878G, R940G.
Identifiers: ClinVar variation 4694840 (VCV004694840.1).
Genomic context (GRCh38, chr19:2,111,798, plus strand): 5'-TGCCTGGAGGCTGCTTCTTGGACTTCTTCTTGCCTTTGGTCCGCTCCTCCTTCTCCTTCC[T>C]GTGCTTCTTCTTCTTAGGCTTGGGAGATTTCTGGAGCAAGAGGAGGGTCGGGTTCAGTGC-3'
Protein context (NP_001248755.1, residues 930-950): KSPKPKKKKH[Arg940Gly]KEKEERTKGK

ClinVar aggregate classification (germline): Uncertain significance (1 of 4 stars; one submission).

Submission:

Labcorp Genetics (formerly Invitae), Labcorp
Classification: Uncertain significance. Last evaluated: 2025-02-13. Review status: criteria provided, single submitter. Criteria: Invitae Variant Classification Sherloc (09022015). Collection method: clinical testing. Allele origin: germline.
Comment: This sequence change replaces arginine, which is basic and polar, with glycine, which is neutral and non-polar, at codon 940 of the AP3D1 protein (p.Arg940Gly). This variant is not present in population databases (gnomAD no frequency). This variant has not been reported in the literature in individuals affected with AP3D1-related conditions. An algorithm developed to predict the effect of missense changes on protein structure and function (PolyPhen-2) suggests that this variant is likely to be tolerated. In summary, the available evidence is currently insufficient to determine the role of this variant in disease. Therefore, it has been classified as a Variant of Uncertain Significance.